The following is an entry in ClinVar:

NM_015335.5(MED13L):c.758del (p.Glu252_Ser253insTer)

Gene: MED13L (mediator complex subunit 13L; minus strand). Cytogenetic location: 12q24.21.
Variant type: Deletion.
Coding change: c.758del on transcript NM_015335.5 (MANE Select); coding-DNA position 758, one base deleted (C; older notation c.758delC).
Protein change: p.Glu252_Ser253insTer.
Molecular consequence: nonsense.
Genome position (GRCh38, 1-based): chr12:116,019,840, G deleted on the plus strand (C on the coding strand, the reverse complement: MED13L is on the minus strand). VCF-style (leftmost placement, unchanged base first): chr12-116019839-CG-C. GRCh37 (hg19) VCF-style: chr12-116457644-CG-C.
Identifiers: ClinVar variation 3362904 (VCV003362904.2).
Genomic context (GRCh38, chr12:116,019,839, plus strand): 5'-AACAATTACTTCAACTGCCACAGGGAAATCATCATCATATCCCAACTCGTCTTCCTCTTT[CG>C]ATTCTTCTTTCTTTTTTAGCACCATCGGGTAGAAATACTGCCATTCCTCAATCAACTTAC-3'

ClinVar aggregate classification (germline): Likely pathogenic (1 of 4 stars; one submission).

Conditions:
Cardiac anomalies - developmental delay - facial dysmorphism syndrome (MRFACD). Also called: Impaired intellectual development and distinctive facial features with or without cardiac defects; MED13L Syndrome. Identifiers: Orphanet 369891, MedGen C5192431, MONDO:0014773, OMIM 616789.

Submission:

Molecular Genetics Laboratory, Motol Hospital
Classification: Likely pathogenic for Cardiac anomalies - developmental delay - facial dysmorphism syndrome. Last evaluated: 2024-10-14. Review status: criteria provided, single submitter. Criteria: ACMG Guidelines, 2015. Collection method: clinical testing. Allele origin: germline. Affected: yes. Observed: 1 variant allele.
Comment: The variant is rare as it is not present in the gnomAD database (v4.1.0). De novo heterozygous truncating variants (nonsense, frameshift) leading to the MED13L gene haploinsufficiency were found in multiple individuals with MED13L-related disorder (MRFACD) (autosomal dominant inheritance). The parental DNA samples have not been available for testing so far. To conclude, the variant is classified as likely pathogenic (ACMG PVS1, PM2).

Literature cited by the submitters: PubMed 24781760; PubMed 23403903; PubMed 25758992; PubMed 27500536.